The following is an entry in ClinVar:

ClinVar aggregate classification (germline): Likely pathogenic (1 of 4 stars; one submission).

Conditions:
Cornelia de Lange syndrome 1 (CDLS1). Also called: NIPBL-Related Cornelia de Lange Syndrome; TYPUS DEGENERATIVUS AMSTELODAMENSIS; Brachmann de Lange syndrome. Identifiers: Orphanet 199, MedGen C4551851, MONDO:0007387, OMIM 122470.

Submission:

Genetics and Molecular Pathology, SA Pathology
Classification: Likely pathogenic for Cornelia de Lange syndrome 1. Last evaluated: 2021-07-14. Review status: criteria provided, single submitter. Criteria: ACMG Guidelines, 2015. Collection method: clinical testing. Allele origin: germline. Inheritance: Autosomal dominant inheritance. Affected: yes.
Comment: The NIPBL c.5467A>G variant is classified as LIKELY PATHOGENIC (PM2, PP3, PS2) The NIPBL c.5467A>G variant is a single nucleotide change in exon 29 of the NIPBL gene, which is predicted to change the amino acid asparagine at position 1823 in the protein to aspartic acid. It has not been reported in dbSNP and is absent from population databases (PM2). This variant has not been reported in the ClinVar or HGMD disease databases. Computational predictions support a deleterious effect on the gene or gene product (PP3).

NM_133433.4(NIPBL):c.5467A>G (p.Asn1823Asp)

Gene: NIPBL (NIPBL cohesin loading factor; plus strand). Cytogenetic location: 5p13.2.
Variant type: single nucleotide variant.
Coding change: c.5467A>G on transcript NM_133433.4 (MANE Select); coding-DNA position 5467, A replaced by G.
Protein change: p.Asn1823Asp; replaces asparagine 1823 with aspartic acid.
Molecular consequence: missense variant.
Genome position (GRCh38, 1-based): chr5:37,022,283, A>G. VCF-style: chr5-37022283-A-G. GRCh37 (hg19) VCF-style: chr5-37022385-A-G.
Other names: c.5467A>G, p.Asn1823Asp (NM_015384.5); short protein forms N1823D.
Identifiers: ClinVar variation 1698857 (VCV001698857.2), dbSNP rs750864821, ClinGen allele CA359490287.